The following is an entry in ClinVar:

ClinVar aggregate classification (germline): Pathogenic (1 of 4 stars; one submission).

Conditions:
Gorlin syndrome. Also called: Nevoid Basal Cell Carcinoma Syndrome; Basal cell nevus syndrome. Identifiers: Orphanet 377, MedGen C0004779, MONDO:0007187.

Submission:

Labcorp Genetics (formerly Invitae), Labcorp
Classification: Pathogenic for Gorlin syndrome. Last evaluated: 2025-10-28. Review status: criteria provided, single submitter. Criteria: Invitae Variant Classification Sherloc (09022015). Collection method: clinical testing. Allele origin: germline.
Comment: This sequence change creates a premature translational stop signal (p.Tyr831delinsLeuLeu*) in the PTCH1 gene. It is expected to result in an absent or disrupted protein product. Loss-of-function variants in PTCH1 are known to be pathogenic (PMID: 16301862, 16419085). This variant is not present in population databases (gnomAD no frequency). This variant has not been reported in the literature in individuals affected with PTCH1-related conditions. For these reasons, this variant has been classified as Pathogenic.

Literature cited by the submitters: PubMed 16301862; PubMed 16419085.

NM_000264.5(PTCH1):c.2491_2492insTACTGTGAAGT (p.Tyr831delinsLeuLeuTer)

Genes: PTCH1 (patched 1; minus strand), LOC100507346 (uncharacterized LOC100507346; plus strand). Cytogenetic location: 9q22.32.
Variant type: Insertion.
Coding change: c.2491_2492insTACTGTGAAGT on transcript NM_000264.5 (MANE Select); coding-DNA positions 2491 to 2492, TACTGTGAAGT inserted.
Protein change: p.Tyr831delinsLeuLeuTer.
Molecular consequence: nonsense. On other transcripts: non-coding transcript variant (2).
Genome position: GRCh38 VCF-style: chr9-95467184-T-TACTTCACAGTA. GRCh37 (hg19) VCF-style: chr9-98229466-T-TACTTCACAGTA.
Other names: c.2038_2039insTACTGTGAAGT, p.Tyr680delinsLeuLeuTer (NM_001083607.3, NM_001083604.3, NM_001083605.3 and 1 more transcripts); c.2335_2336insTACTGTGAAGT, p.Tyr779delinsLeuLeuTer (NM_001354918.2); c.2293_2294insTACTGTGAAGT, p.Tyr765delinsLeuLeuTer (NM_001083602.3); c.2488_2489insTACTGTGAAGT, p.Tyr830delinsLeuLeuTer (NM_001083603.3).
Identifiers: ClinVar variation 4730088 (VCV004730088.1).
Genomic context (GRCh38, chr9:95,467,184, plus strand): 5'-CAGTCTCTGAAGTAGTGCAGCCACATTTTGGGAAGCTGTTTGTTTTCTTCCAACATGACA[T>TACTTCACAGTA]ACTTCACGTTACTGAAACTCCTGTGTAGGTCGTAAAGTAAGTGCTGGATATTCGGGTAGT-3'